The following is an entry in ClinVar:

ClinVar aggregate classification (germline): Uncertain significance (1 of 4 stars; one submission).

Conditions:
Adams-Oliver syndrome 5 (AOS5). Identifiers: Orphanet 974, MedGen C4014970, MONDO:0014459, OMIM 616028.

Submission:

Labcorp Genetics (formerly Invitae), Labcorp
Classification: Uncertain significance for Adams-Oliver syndrome 5. Last evaluated: 2025-10-07. Review status: criteria provided, single submitter. Criteria: Invitae Variant Classification Sherloc (09022015). Collection method: clinical testing. Allele origin: germline.
Comment: This sequence change replaces proline, which is neutral and non-polar, with serine, which is neutral and polar, at codon 362 of the NOTCH1 protein (p.Pro362Ser). This variant is not present in population databases (gnomAD no frequency). This variant has not been reported in the literature in individuals affected with NOTCH1-related conditions. Invitae Evidence Modeling of protein sequence and biophysical properties (such as structural, functional, and spatial information, amino acid conservation, physicochemical variation, residue mobility, and thermodynamic stability) indicates that this missense variant is not expected to disrupt NOTCH1 protein function with a negative predictive value of 95%. In summary, the available evidence is currently insufficient to determine the role of this variant in disease. Therefore, it has been classified as a Variant of Uncertain Significance.

NM_017617.5(NOTCH1):c.1084C>T (p.Pro362Ser)

Gene: NOTCH1 (notch receptor 1; minus strand). Cytogenetic location: 9q34.3.
Variant type: single nucleotide variant.
Coding change: c.1084C>T on transcript NM_017617.5 (MANE Select); coding-DNA position 1084, C replaced by T.
Protein change: p.Pro362Ser; replaces proline 362 with serine.
Molecular consequence: missense variant.
Genome position (GRCh38, 1-based): chr9:136,518,606, G>A on the plus strand (C>T on the coding strand, the complement: NOTCH1 is on the minus strand). VCF-style: chr9-136518606-G-A. GRCh37 (hg19) VCF-style: chr9-139413058-G-A.
Other names: short protein forms P362S.
Identifiers: ClinVar variation 4723557 (VCV004723557.1).